The following is an entry in ClinVar:

NM_001165963.4(SCN1A):c.5681T>C (p.Met1894Thr)

Genes: SCN1A (sodium voltage-gated channel alpha subunit 1; minus strand), LOC102724058 (uncharacterized LOC102724058; plus strand). Cytogenetic location: 2q24.3.
Variant type: single nucleotide variant.
Coding change: c.5681T>C on transcript NM_001165963.4 (MANE Select); coding-DNA position 5681, T replaced by C.
Protein change: p.Met1894Thr; replaces methionine 1894 with threonine.
Molecular consequence: missense variant. On other transcripts: non-coding transcript variant (1).
Genome position (GRCh38, 1-based): chr2:165,991,594, A>G on the plus strand (T>C on the coding strand, the complement: SCN1A is on the minus strand). VCF-style: chr2-165991594-A-G. GRCh37 (hg19) VCF-style: chr2-166848104-A-G.
Other names: p.M1894T:ATG>ACG; c.5597T>C, p.Met1866Thr (NM_001165964.3, NM_001353957.2, NM_001353958.2); c.5681T>C, p.Met1894Thr (NM_001202435.3, NM_001353948.2); c.5648T>C, p.Met1883Thr (NM_001353949.2, NM_001353950.2, NM_001353951.2 and 2 more transcripts); c.5645T>C, p.Met1882Thr (NM_001353954.2, NM_001353955.2); c.5594T>C, p.Met1865Thr (NM_001353960.2); c.3239T>C, p.Met1080Thr (NM_001353961.2); short protein forms M1883T, M1894T, M1865T, M1866T, M1080T, M1882T.
Identifiers: ClinVar variation 206876 (VCV000206876.13), dbSNP rs562208324, ClinGen allele CA317649.
Genomic context (GRCh38, chr2:165,991,594, plus strand): 5'-TGTTTTCGTTTTAAAGTAGTAGTGATTGGCTGATAGGAGACCTTGGAAGGATTGGAAGCC[A>G]TGAATCGCTCTTCCATCTGTATTCGTAGAGCATCCATCTCTCCACTCTCTCCTAGAACCC-3'
Protein context (NP_001159435.1, residues 1884-1904): ALRIQMEERF[Met1894Thr]ASNPSKVSYQ

ClinVar aggregate classification (germline): Conflicting classifications of pathogenicity. Review status: criteria provided, conflicting classifications (1 of 4 stars). 3 submissions from 3 submitters: Uncertain significance (2); Likely benign (1). Last evaluated 2025-05-22.

Conditions:
Early-infantile DEE. Also called: Ohtahara syndrome; Early infantile epileptic encephalopathy; Early infantile epileptic encephalopathy with suppression bursts. Identifiers: Orphanet 1934, MedGen C0393706, MONDO:0800491.
Severe myoclonic epilepsy in infancy (DRVT). Also called: DEVELOPMENTAL AND EPILEPTIC ENCEPHALOPATHY 6A; Severe Myoclonic Epilepsy in Infancy (SMEI); Epileptic encephalopathy, early infantile, 6 (Dravet syndrome); SEVERE MYOCLONIC EPILEPSY OF INFANCY; Dravet syndrome. Identifiers: Orphanet 33069, MedGen C0751122, MONDO:0100135, OMIM 607208.

Allele frequency attached by ClinVar (database versions not stated): gnomAD below 0.00001 and 0.00005; TOPMed below 0.00001; gnomAD exomes 0.00006; ExAC 0.00007; 1000 Genomes Project 30x 0.00047; 1000 Genomes Project 0.00060.

Submissions (3):

Labcorp Genetics (formerly Invitae), Labcorp
Classification: Uncertain significance for Early-infantile DEE. Last evaluated: 2025-05-22. Review status: criteria provided, single submitter. Criteria: Invitae Variant Classification Sherloc (09022015). Collection method: clinical testing. Allele origin: germline.
Comment: This sequence change replaces methionine, which is neutral and non-polar, with threonine, which is neutral and polar, at codon 1894 of the SCN1A protein (p.Met1894Thr). This variant is present in population databases (rs562208324, gnomAD 0.05%). This missense change has been observed in individual(s) with clinical features of SCN1A-related conditions (PMID: 32593896, 38232648). ClinVar contains an entry for this variant (Variation ID: 206876). Invitae Evidence Modeling of protein sequence and biophysical properties (such as structural, functional, and spatial information, amino acid conservation, physicochemical variation, residue mobility, and thermodynamic stability) indicates that this missense variant is expected to disrupt SCN1A protein function with a positive predictive value of 95%. In summary, the available evidence is currently insufficient to determine the role of this variant in disease. Therefore, it has been classified as a Variant of Uncertain Significance.

GeneDx
Classification: Likely benign. Last evaluated: 2019-06-20. Review status: criteria provided, single submitter. Criteria: GeneDx Variant Classification Process June 2021. Collection method: clinical testing. Allele origin: germline. Affected: yes.

Mendelics
Classification: Uncertain significance for Severe myoclonic epilepsy in infancy. Last evaluated: 2019-05-28. Review status: criteria provided, single submitter. Criteria: Mendelics Assertion Criteria 2017. Collection method: clinical testing. Allele origin: unknown.

Literature cited by the submitters: PubMed 32593896 (cited by Labcorp Genetics (formerly Invitae), Labcorp); PubMed 38232648 (cited by Labcorp Genetics (formerly Invitae), Labcorp).